The following is an entry in ClinVar:

ClinVar aggregate classification (germline): Uncertain significance. Review status: criteria provided, multiple submitters, no conflicts (2 of 4 stars). 2 submissions from 2 submitters: Uncertain significance (2). Last evaluated 2024-10-07.

Conditions:
Inborn genetic diseases. Identifiers: MedGen C0950123, MeSH D030342.

Allele frequency attached by ClinVar (database versions not stated): gnomAD exomes below 0.00001 and 0.00001; gnomAD 0.00001.
gnomAD v4.1: 5 of 1,551,488 alleles (0.00032%); highest among the groups gnomAD compares: African/African-American, 0.0027%; no homozygotes.

Submissions (2):

Ambry Genetics
Classification: Uncertain significance for Inborn genetic diseases. Last evaluated: 2024-10-07. Review status: criteria provided, single submitter. Criteria: Ambry Variant Classification Scheme 2023. Collection method: clinical testing. Allele origin: germline.

Labcorp Genetics (formerly Invitae), Labcorp
Classification: Uncertain significance. Last evaluated: 2022-06-20. Review status: criteria provided, single submitter. Criteria: Invitae Variant Classification Sherloc (09022015). Collection method: clinical testing. Allele origin: germline.
Comment: This variant is not present in population databases (gnomAD no frequency). This sequence change replaces arginine with histidine at codon 1367 of the UNC80 protein (p.Arg1367His). The arginine residue is weakly conserved and there is a small physicochemical difference between arginine and histidine. This variant has not been reported in the literature in individuals affected with UNC80-related conditions. In summary, the available evidence is currently insufficient to determine the role of this variant in disease. Therefore, it has been classified as a Variant of Uncertain Significance. Algorithms developed to predict the effect of missense changes on protein structure and function are either unavailable or do not agree on the potential impact of this missense change (SIFT: "Not Available"; PolyPhen-2: "Probably Damaging"; Align-GVGD: "Not Available").

NM_001371986.1(UNC80):c.4094G>A (p.Arg1365His)

Gene: UNC80 (unc-80 subunit of NALCN channel complex; plus strand). Cytogenetic location: 2q34.
Variant type: single nucleotide variant.
Coding change: c.4094G>A on transcript NM_001371986.1 (MANE Select); coding-DNA position 4094, G replaced by A.
Protein change: p.Arg1365His; replaces arginine 1365 with histidine.
Molecular consequence: missense variant.
Genome position (GRCh38, 1-based): chr2:209,881,078, G>A. VCF-style: chr2-209881078-G-A. GRCh37 (hg19) VCF-style: chr2-210745802-G-A.
Other names: c.4100G>A, p.Arg1367His (NM_032504.2); c.4085G>A, p.Arg1362His (NM_182587.4); c.4100G>A (NM_032504.1); short protein forms R1362H, R1365H, R1367H.
Identifiers: ClinVar variation 1471113 (VCV001471113.7), dbSNP rs1306650540, ClinGen allele CA350747843.